The following is an entry in ClinVar:

NM_001458.5(FLNC):c.6588G>A (p.Thr2196=)

Genes: FLNC (filamin C; plus strand), FLNC-AS1 (FLNC antisense RNA 1; minus strand). Cytogenetic location: 7q32.1.
Variant type: single nucleotide variant.
Coding change: c.6588G>A on transcript NM_001458.5 (MANE Select); coding-DNA position 6588, G replaced by A.
Protein change: p.Thr2196=; no amino-acid change (threonine 2196 retained).
Molecular consequence: synonymous variant.
Genome position (GRCh38, 1-based): chr7:128,854,077, G>A. VCF-style: chr7-128854077-G-A. GRCh37 (hg19) VCF-style: chr7-128494131-G-A.
Other names: c.6489G>A, p.Thr2163= (NM_001127487.2).
Identifiers: ClinVar variation 1133746 (VCV001133746.39), dbSNP rs750190004, ClinGen allele CA4476023.
Genomic context (GRCh38, chr7:128,854,077, plus strand): 5'-CACCTTCACACGCAGCAGCCACACCTACACCCGCACGGAGCGCACGGAGATCAGCAAGAC[G>A]CGGGGCGGGGAGACAAAGCGCGAGGTGCGGGTGGAGGAGTCCACCCAGGTCGGCGGGGAC-3'
Protein context (NP_001449.3, residues 2186-2206): TRTERTEISK[Thr2196=]RGGETKREVR

ClinVar aggregate classification (germline): Likely benign. Review status: criteria provided, multiple submitters, no conflicts (2 of 4 stars). 5 submissions from 5 submitters: Likely benign (4). 1 of the submissions does not count toward it. Last evaluated 2025-09-24.

Conditions:
Cardiovascular phenotype. Identifiers: MedGen CN230736.
FLNC-related disorder. Also called: FLNC-related condition; FLNC-related disorders.
Myofibrillar myopathy 5. Also called: Filaminopathy (type); FILAMINOPATHY, AUTOSOMAL DOMINANT. Identifiers: Orphanet 171445, MedGen C1836050, MONDO:0012289, OMIM 609524.
Hypertrophic cardiomyopathy 26. Also called: Cardiomyopathy, familial hypertrophic, 26. Identifiers: Orphanet 75249, MedGen C4310749, MONDO:0014883, OMIM 617047.
Distal myopathy with posterior leg and anterior hand involvement. Also called: WILLIAMS DISTAL MYOPATHY. Identifiers: Orphanet 63273, MedGen C3279722, MONDO:0013550, OMIM 614065.

Allele frequency attached by ClinVar (database versions not stated): ExAC 0.00001; gnomAD exomes 0.00001 and 0.00002.
gnomAD v4.1: 7 of 1,613,204 alleles (0.00043%); highest among the groups gnomAD compares: Admixed American, 0.0067%; no homozygotes.

Submissions (5):

Labcorp Genetics (formerly Invitae), Labcorp
Classification: Likely benign for Distal myopathy with posterior leg and anterior hand involvement; Myofibrillar myopathy 5; Hypertrophic cardiomyopathy 26. Last evaluated: 2025-09-24. Review status: criteria provided, single submitter. Criteria: Invitae Variant Classification Sherloc (09022015). Collection method: clinical testing. Allele origin: germline.

CeGaT Center for Human Genetics Tuebingen
Classification: Likely benign. Last evaluated: 2023-01-01. Review status: criteria provided, single submitter. Criteria: CeGaT Center For Human Genetics Tuebingen Variant Classification Criteria Version 2. Collection method: clinical testing. Allele origin: germline. Affected: yes. Observed: 1 variant allele.
Comment: FLNC: BP4, BP7

Ambry Genetics
Classification: Likely benign for Cardiovascular phenotype. Last evaluated: 2021-11-14. Review status: criteria provided, single submitter. Criteria: Ambry Variant Classification Scheme 2023. Collection method: clinical testing. Allele origin: germline.

Blueprint Genetics
Classification: Likely benign. Last evaluated: 2021-09-29. Review status: criteria provided, single submitter. Criteria: ACMG Guidelines, 2015. Collection method: clinical testing. Allele origin: germline.

PreventionGenetics, part of Exact Sciences
Classification: Likely benign for FLNC-related condition. Last evaluated: 2020-09-23. Review status: no assertion criteria provided. Collection method: clinical testing. Allele origin: germline. Not counted in ClinVar's aggregate classification.
Comment: This variant is classified as likely benign based on ACMG/AMP sequence variant interpretation guidelines (Richards et al. 2015 PMID: 25741868, with internal and published modifications).